The following is an entry in ClinVar:

ClinVar aggregate classification (germline): Benign/Likely benign. Review status: criteria provided, multiple submitters, no conflicts (2 of 4 stars). 4 submissions from 4 submitters: Benign (1); Likely benign (3). Last evaluated 2026-07-13.

Conditions:
Rhabdoid tumor predisposition syndrome 2 (RTPS2). Identifiers: Orphanet 231108, Orphanet 69077, MedGen C2750074, MONDO:0013224, OMIM 613325.
Hereditary cancer-predisposing syndrome. Also called: Tumor predisposition; Neoplastic Syndromes, Hereditary; Hereditary Cancer Syndrome; Hereditary neoplastic syndrome. Identifiers: Orphanet 140162, MedGen C0027672, MeSH D009386, MONDO:0015356.

Allele frequency attached by ClinVar (database versions not stated): gnomAD exomes below 0.00001 and 0.00001; gnomAD 0.00001; ExAC 0.00001; TOPMed 0.00002.
gnomAD v4.1: 9 of 1,614,002 alleles (0.00056%); highest among the groups gnomAD compares: South Asian, 0.0011%; no homozygotes.

Submissions (4):

Myriad Genetics, Inc.
Classification: Benign for Rhabdoid tumor predisposition syndrome 2. Last evaluated: 2026-07-13. Review status: criteria provided, single submitter. Criteria: Myriad Autosomal Dominant, Autosomal Recessive and X-Linked Classification Criteria (2023). Collection method: clinical testing. Allele origin: unknown.
Comment: This variant is considered benign. This variant is a silent/synonymous amino acid change and it is not expected to impact splicing.

Labcorp Genetics (formerly Invitae), Labcorp
Classification: Likely benign for Rhabdoid tumor predisposition syndrome 2. Last evaluated: 2025-12-31. Review status: criteria provided, single submitter. Criteria: Invitae Variant Classification Sherloc (09022015). Collection method: clinical testing. Allele origin: germline.

CeGaT Center for Human Genetics Tuebingen
Classification: Likely benign. Last evaluated: 2025-02-01. Review status: criteria provided, single submitter. Criteria: CeGaT Center For Human Genetics Tuebingen Variant Classification Criteria Version 2. Collection method: clinical testing. Allele origin: germline. Affected: yes. Observed: 1 variant allele.
Comment: SMARCA4: BP4, BP7

Ambry Genetics
Classification: Likely benign for Hereditary cancer-predisposing syndrome. Last evaluated: 2017-05-08. Review status: criteria provided, single submitter. Criteria: Ambry Variant Classification Scheme 2023. Collection method: clinical testing. Allele origin: germline.

NM_003072.5(SMARCA4):c.2427C>T (p.Ile809=)

Gene: SMARCA4 (SWI/SNF related BAF chromatin remodeling complex subunit ATPase 4; plus strand). Cytogenetic location: 19p13.2.
Variant type: single nucleotide variant.
Coding change: c.2427C>T on transcript NM_003072.5 (MANE Select); coding-DNA position 2427, C replaced by T.
Protein change: p.Ile809=; no amino-acid change (isoleucine 809 retained).
Molecular consequence: synonymous variant. On other transcripts: non-coding transcript variant (1).
Genome position (GRCh38, 1-based): chr19:11,013,101, C>T. VCF-style: chr19-11013101-C-T. GRCh37 (hg19) VCF-style: chr19-11123777-C-T.
Other names: c.2427C>T, p.Ile809= (NM_001128844.3, NM_001128845.2, NM_001128846.2 and 5 more transcripts).
Identifiers: ClinVar variation 484962 (VCV000484962.29), dbSNP rs773895427, ClinGen allele CA9204099.